The following is an entry in ClinVar:

ClinVar aggregate classification (germline): Benign. Review status: criteria provided, multiple submitters, no conflicts (2 of 4 stars). 3 submissions from 3 submitters: Benign (2). 1 of the submissions does not count toward it.

Conditions:
Fucosyltransferase 6 deficiency. Identifiers: MedGen C3151219, MONDO:0013462, OMIM 613852.
Familial Otitis Media.

Allele frequency attached by ClinVar (database versions not stated): gnomAD exomes 0.00389 and 0.00933; ExAC 0.01129; 1000 Genomes Project 0.03175; 1000 Genomes Project 30x 0.03217; gnomAD 0.03403 and 0.03636; TOPMed 0.03905; ESP Exome Variant Server 0.04067.
gnomAD v4.1: 11,188 of 1,613,032 alleles (0.69%); highest among the groups gnomAD compares: African/African-American, 12%; 545 homozygotes.

Submissions (3):

Breakthrough Genomics
Classification: Benign. Review status: criteria provided, single submitter. Criteria: ACMG Guidelines, 2015. Collection method: not provided. Allele origin: germline. Inheritance: Autosomal recessive inheritance. Affected: yes.

Broad Center for Mendelian Genomics, Broad Institute of MIT and Harvard
Classification: Benign for Fucosyltransferase 6 deficiency. Review status: criteria provided, single submitter. Criteria: ACMG Guidelines, 2015. Collection method: research. Allele origin: germline. Affected: yes.
Comment: The heterozygous p.Ile25Val variant in FUT2 has been identified in at least 1 individual from South Africa (PMID: 9760207). In vitro functional studies provide some evidence that the p.Ile25Val variant may not impact protein function (PMID: 9760207). However, these types of assays may not accurately represent biological function. This variant is classified as benign for fucosyltransferase deficiency because it has been identified in >10% of African chromosomes by ExAC.

University of Washington Center for Mendelian Genomics, University of Washington
Classification: confers sensitivity for Familial Otitis Media. Review status: no assertion criteria provided. Collection method: research. Allele origin: unknown. Affected: yes. Not counted in ClinVar's aggregate classification.

Literature cited by the submitters: PubMed 30401457 (cited by University of Washington Center for Mendelian Genomics, University of Washington).

NM_000511.6(FUT2):c.73A>G (p.Ile25Val)

Genes: FUT2 (fucosyltransferase 2 (H blood group); plus strand), LOC105447645 (uncharacterized LOC105447645; minus strand). Cytogenetic location: 19q13.33.
Variant type: single nucleotide variant.
Coding change: c.73A>G on transcript NM_000511.6 (MANE Select); coding-DNA position 73, A replaced by G.
Protein change: p.Ile25Val; replaces isoleucine 25 with valine.
Molecular consequence: missense variant. On other transcripts: non-coding transcript variant (1).
Genome position (GRCh38, 1-based): chr19:48,703,029, A>G. VCF-style: chr19-48703029-A-G. GRCh37 (hg19) VCF-style: chr19-49206286-A-G.
Other names: c.73A>G, p.Ile25Val (NM_001097638.3); short protein forms I25V.
Identifiers: ClinVar variation 979159 (VCV000979159.3), dbSNP rs1800021, ClinGen allele CA9556138.